The following is an entry in ClinVar:

ClinVar aggregate classification (germline): Uncertain significance (1 of 4 stars; one submission).

gnomAD v4.1: 1 of 1,580,806 alleles (0.000063%); highest among the groups gnomAD compares: African/African-American, 0.0014%; no homozygotes.

Submission:

Labcorp Genetics (formerly Invitae), Labcorp
Classification: Uncertain significance. Last evaluated: 2023-07-30. Review status: criteria provided, single submitter. Criteria: Invitae Variant Classification Sherloc (09022015). Collection method: clinical testing. Allele origin: germline.
Comment: This sequence change falls in intron 12 of the GUF1 gene. It does not directly change the encoded amino acid sequence of the GUF1 protein. This variant is not present in population databases (gnomAD no frequency). This variant has not been reported in the literature in individuals affected with GUF1-related conditions. Algorithms developed to predict the effect of sequence changes on RNA splicing suggest that this variant may create or strengthen a splice site. In summary, the available evidence is currently insufficient to determine the role of this variant in disease. Therefore, it has been classified as a Variant of Uncertain Significance.

NM_021927.3(GUF1):c.1480-13C>T

Gene: GUF1 (GTP binding elongation factor GUF1; plus strand). Cytogenetic location: 4p12.
Variant type: single nucleotide variant.
Coding change: c.1480-13C>T on transcript NM_021927.3 (MANE Select); 13 bases into the intron before coding-DNA position 1480, C replaced by T.
Molecular consequence: intron variant.
Genome position (GRCh38, 1-based): chr4:44,691,653, C>T. VCF-style: chr4-44691653-C-T. GRCh37 (hg19) VCF-style: chr4-44693670-C-T.
Other names: c.1480-13C>T (NM_001345868.2); c.508-13C>T (NM_001345867.2, NM_001345869.2).
Identifiers: ClinVar variation 2748393 (VCV002748393.3), dbSNP rs2545507062, ClinGen allele CA2670505586.
Genomic context (GRCh38, chr4:44,691,653, plus strand): 5'-TTTAGAGAAATACATCATTCCTCAGTATTTGAGTAGGTTATCATTAAACCCATTTTCTTC[C>T]TTCCCTTTTTAGGCTCGAAGAGCAGTTCAGAAGAATATGATATTTATTGATCAAAATAGA-3'